The following is an entry in ClinVar:

NR_033294.2(SNORD118):n.35T>G

Genes: SNORD118 (small nucleolar RNA, C/D box 118; minus strand), TMEM107 (transmembrane protein 107; minus strand). Cytogenetic location: 17p13.1.
Variant type: single nucleotide variant.
Molecular consequence: non-coding transcript variant (on NR_033294.2). On other transcripts: 3 prime UTR variant (5).
Genome position: GRCh38 VCF-style: chr17-8173554-A-C. GRCh37 (hg19) VCF-style: chr17-8076872-A-C.
Other names: c.*649T>G (NM_001351278.2, NM_001351279.2, NM_001351280.2 and 2 more transcripts).
Identifiers: ClinVar variation 1988123 (VCV001988123.21), dbSNP rs142684790, ClinGen allele CA8370769.
Genomic context (GRCh38, chr17:8,173,554, plus strand): 5'-GCAGAGACGTTAATCACGTTTCATGCATCTCCAATCATCATGTTCTAATCTGCCCTCCGG[A>C]GGAGGAACAGGTAAGGATTATCCCACCTGACGATACAGACAAACAGCCGACATTCTGCAC-3'

ClinVar aggregate classification (germline): Benign. Review status: criteria provided, multiple submitters, no conflicts (2 of 4 stars). 2 submissions from 2 submitters: Benign (2). Last evaluated 2025-09-21.

Allele frequency attached by ClinVar (database versions not stated): ESP Exome Variant Server 0.00017; 1000 Genomes Project 30x 0.00234; 1000 Genomes Project 0.00240.
gnomAD v4.1: 753 of 765,360 alleles (0.098%); highest among the groups gnomAD compares: East Asian, 0.91%; 4 homozygotes.

Submissions (2):

Labcorp Genetics (formerly Invitae), Labcorp
Classification: Benign. Last evaluated: 2025-09-21. Review status: criteria provided, single submitter. Criteria: Invitae Variant Classification Sherloc (09022015). Collection method: clinical testing. Allele origin: germline.

CeGaT Center for Human Genetics Tuebingen
Classification: Benign. Last evaluated: 2024-07-01. Review status: criteria provided, single submitter. Criteria: CeGaT Center For Human Genetics Tuebingen Variant Classification Criteria Version 2. Collection method: clinical testing. Allele origin: germline. Affected: yes. Observed: 1 variant allele.
Comment: SNORD118: BS1, BS2